The following is an entry in ClinVar:

NM_000400.4(ERCC2):c.79G>T (p.Glu27Ter)

Gene: ERCC2 (ERCC excision repair 2, TFIIH core complex helicase subunit; minus strand). Cytogenetic location: 19q13.32.
Variant type: single nucleotide variant.
Coding change: c.79G>T on transcript NM_000400.4 (MANE Select); coding-DNA position 79, G replaced by T.
Protein change: p.Glu27Ter; replaces glutamic acid 27 with a stop codon.
Molecular consequence: nonsense.
Genome position (GRCh38, 1-based): chr19:45,370,159, C>A on the plus strand (G>T on the coding strand, the complement: ERCC2 is on the minus strand). VCF-style: chr19-45370159-C-A. GRCh37 (hg19) VCF-style: chr19-45873417-C-A.
Other names: c.7G>T, p.Glu3Ter (NM_001130867.2); short protein forms E27*, E3*.
Identifiers: ClinVar variation 2675065 (VCV002675065.2), dbSNP rs762622002, ClinGen allele CA9513939.

ClinVar aggregate classification (germline): Pathogenic/Likely pathogenic. Review status: criteria provided, multiple submitters, no conflicts (2 of 4 stars). 2 submissions from 2 submitters: Pathogenic (1); Likely pathogenic (1). Last evaluated 2024-07-31.

Conditions:
ERCC2-related disorder. Also called: ERCC2-related disorders; ERCC2-related conditions; ERCC2-related condition. Identifiers: MedGen CN239291.
Cerebrooculofacioskeletal syndrome 2 (COFS2). Identifiers: MedGen C1853102, MONDO:0012553, OMIM 610756.

Allele frequency attached by ClinVar (database versions not stated): gnomAD exomes below 0.00001; ExAC 0.00001.

Submissions (2):

Myriad Genetics, Inc.
Classification: Pathogenic for ERCC2-related disorder. Last evaluated: 2024-07-31. Review status: criteria provided, single submitter. Criteria: Myriad Autosomal Dominant, Autosomal Recessive and X-Linked Classification Criteria (2023). Collection method: clinical testing. Allele origin: unknown.
Comment: NM_000400.3(ERCC2):c.79G>T(E27*) is expected to be pathogenic in the context of ERCC2-related disorders. This variant is predicted to lead to an abnormal or absent protein product due to the creation of a premature termination codon in ERCC2, a gene where loss-of-function variants are known to be pathogenic. Please note: this variant was assessed in the context of healthy population screening.

Baylor Genetics
Classification: Likely pathogenic for Cerebrooculofacioskeletal syndrome 2. Last evaluated: 2022-09-24. Review status: criteria provided, single submitter. Criteria: ACMG Guidelines, 2015. Collection method: clinical testing. Allele origin: unknown.